The following is an entry in ClinVar:

NM_001372051.1(CASP8):c.48T>A (p.Ser16Arg)

Gene: CASP8 (caspase 8; plus strand). Cytogenetic location: 2q33.1.
Variant type: single nucleotide variant.
Coding change: c.48T>A on transcript NM_001372051.1 (MANE Select); coding-DNA position 48, T replaced by A.
Protein change: p.Ser16Arg; replaces serine 16 with arginine.
Molecular consequence: missense variant. On other transcripts: non-coding transcript variant (22), intron variant (3), 5 prime UTR variant (9).
Genome position (GRCh38, 1-based): chr2:201,266,534, T>A. VCF-style: chr2-201266534-T-A. GRCh37 (hg19) VCF-style: chr2-202131257-T-A.
Other names: c.-4-4982T>A (NM_001400669.1); c.-227-4982T>A (NM_001400672.1, NM_001400675.1); c.48T>A, p.Ser16Arg (NM_001080124.2, NM_001228.5, NM_001400645.1 and 21 more transcripts); c.225T>A, p.Ser75Arg (NM_001080125.2, NM_001400642.1, NM_001400665.1); c.-485T>A (NM_001400671.1, NM_001400673.1, NM_001400676.1 and 4 more transcripts); c.-666T>A (NM_001400674.1); c.-564T>A (NM_001400680.1); short protein forms S75R, S16R.
Identifiers: ClinVar variation 1442547 (VCV001442547.6), dbSNP rs1401364865, ClinGen allele CA350281341.

ClinVar aggregate classification (germline): Uncertain significance (1 of 4 stars; one submission).

Conditions:
Autoimmune lymphoproliferative syndrome type 2B. Also called: AUTOIMMUNE LYMPHOPROLIFERATIVE SYNDROME, TYPE IIB. Identifiers: Orphanet 275517, MedGen C1846545, MONDO:0011804, OMIM 607271.

Submission:

Labcorp Genetics (formerly Invitae), Labcorp
Classification: Uncertain significance for Autoimmune lymphoproliferative syndrome type 2B. Last evaluated: 2023-10-03. Review status: criteria provided, single submitter. Criteria: Invitae Variant Classification Sherloc (09022015). Collection method: clinical testing. Allele origin: germline.
Comment: This sequence change replaces serine, which is neutral and polar, with arginine, which is basic and polar, at codon 16 of the CASP8 protein (p.Ser16Arg). This variant is not present in population databases (gnomAD no frequency). This variant has not been reported in the literature in individuals affected with CASP8-related conditions. ClinVar contains an entry for this variant (Variation ID: 1442547). An algorithm developed to predict the effect of missense changes on protein structure and function (PolyPhen-2) suggests that this variant is likely to be tolerated. In summary, the available evidence is currently insufficient to determine the role of this variant in disease. Therefore, it has been classified as a Variant of Uncertain Significance.